The following is an entry in ClinVar:

NM_000414.4(HSD17B4):c.58+105G>A

Gene: HSD17B4 (hydroxysteroid 17-beta dehydrogenase 4; plus strand). Cytogenetic location: 5q23.1.
Variant type: single nucleotide variant.
Coding change: c.58+105G>A on transcript NM_000414.4 (MANE Select); 105 bases into the intron after coding-DNA position 58, G replaced by A.
Molecular consequence: intron variant. On other transcripts: 5 prime UTR variant (7), non-coding transcript variant (1).
Genome position (GRCh38, 1-based): chr5:119,452,738, G>A. VCF-style: chr5-119452738-G-A. GRCh37 (hg19) VCF-style: chr5-118788433-G-A.
Other names: c.-16G>A (NM_001199291.3); c.-437G>A (NM_001292028.2, NM_001374501.1); c.-371G>A (NM_001374499.1); c.-564G>A (NM_001374500.1); c.-442G>A (NM_001374502.1); c.-507G>A (NM_001374503.1); c.-80+105G>A (NM_001292027.2); c.58+105G>A (NM_001374498.1, NM_001374497.1, NM_001199292.2).
Identifiers: ClinVar variation 1217585 (VCV001217585.5), dbSNP rs78611678, ClinGen allele CA3381618.

ClinVar aggregate classification (germline): Benign/Likely benign. Review status: criteria provided, multiple submitters, no conflicts (2 of 4 stars). 3 submissions from 3 submitters: Benign (1); Likely benign (2). Last evaluated 2025-12-11.

Allele frequency attached by ClinVar (database versions not stated): gnomAD 0.00258 and 0.00273; ExAC 0.00496; 1000 Genomes Project 0.00260; gnomAD exomes 0.00353; 1000 Genomes Project 30x 0.00234; TOPMed 0.00247.
gnomAD v4.1: 5,858 of 1,599,392 alleles (0.37%); highest among the groups gnomAD compares: Middle Eastern, 0.71%; 14 homozygotes.

Submissions (3):

Mayo Clinic Laboratories, Mayo Clinic
Classification: Benign. Last evaluated: 2025-12-11. Review status: criteria provided, single submitter. Criteria: ACMG Guidelines, 2015. Collection method: clinical testing. Allele origin: germline. Observed: 6 variant alleles.
Comment: BA1, BP4, BP7

GeneDx
Classification: Likely benign. Last evaluated: 2020-06-01. Review status: criteria provided, single submitter. Criteria: GeneDx Variant Classification Process June 2021. Collection method: clinical testing. Allele origin: germline. Affected: yes.

Breakthrough Genomics
Classification: Likely benign. Review status: criteria provided, single submitter. Criteria: ACMG Guidelines, 2015. Collection method: not provided. Allele origin: germline. Inheritance: Autosomal recessive inheritance. Affected: yes.